The following is an entry in ClinVar:

NM_000843.4(GRM6):c.192G>C (p.Gln64His)

Gene: GRM6 (glutamate metabotropic receptor 6; minus strand). Cytogenetic location: 5q35.3.
Variant type: single nucleotide variant.
Coding change: c.192G>C on transcript NM_000843.4 (MANE Select); coding-DNA position 192, G replaced by C.
Protein change: p.Gln64His; replaces glutamine 64 with histidine.
Molecular consequence: missense variant.
Genome position (GRCh38, 1-based): chr5:178,994,753, C>G on the plus strand (G>C on the coding strand, the complement: GRM6 is on the minus strand). VCF-style: chr5-178994753-C-G. GRCh37 (hg19) VCF-style: chr5-178421754-C-G.
Other names: short protein forms Q64H.
Identifiers: ClinVar variation 2092233 (VCV002092233.5), dbSNP rs2480408249, ClinGen allele CA362436888.

ClinVar aggregate classification (germline): Uncertain significance. Review status: criteria provided, multiple submitters, no conflicts (2 of 4 stars). 2 submissions from 2 submitters: Uncertain significance (2). Last evaluated 2022-10-26.

Conditions:
Inborn genetic diseases. Identifiers: MedGen C0950123, MeSH D030342.

gnomAD v4.1: 8 of 1,417,096 alleles (0.00056%); highest among the groups gnomAD compares: Non-Finnish European, 0.00074%; no homozygotes.

Submissions (2):

Ambry Genetics
Classification: Uncertain significance for Inborn genetic diseases. Last evaluated: 2022-10-26. Review status: criteria provided, single submitter. Criteria: Ambry Variant Classification Scheme 2023. Collection method: clinical testing. Allele origin: germline.

Labcorp Genetics (formerly Invitae), Labcorp
Classification: Uncertain significance. Last evaluated: 2022-03-19. Review status: criteria provided, single submitter. Criteria: Invitae Variant Classification Sherloc (09022015). Collection method: clinical testing. Allele origin: germline.
Comment: This sequence change replaces glutamine, which is neutral and polar, with histidine, which is basic and polar, at codon 64 of the GRM6 protein (p.Gln64His). This variant is not present in population databases (gnomAD no frequency). This variant has not been reported in the literature in individuals affected with GRM6-related conditions. Advanced modeling of protein sequence and biophysical properties (such as structural, functional, and spatial information, amino acid conservation, physicochemical variation, residue mobility, and thermodynamic stability) performed at Invitae indicates that this missense variant is not expected to disrupt GRM6 protein function. In summary, the available evidence is currently insufficient to determine the role of this variant in disease. Therefore, it has been classified as a Variant of Uncertain Significance.